The following is an entry in ClinVar:

NM_004998.4(MYO1E):c.275C>A (p.Ala92Glu)

Gene: MYO1E (myosin IE; minus strand). Cytogenetic location: 15q22.2.
Variant type: single nucleotide variant.
Coding change: c.275C>A on transcript NM_004998.4 (MANE Select); coding-DNA position 275, C replaced by A.
Protein change: p.Ala92Glu; replaces alanine 92 with glutamic acid.
Molecular consequence: missense variant.
Genome position (GRCh38, 1-based): chr15:59,256,341, G>T on the plus strand (C>A on the coding strand, the complement: MYO1E is on the minus strand). VCF-style: chr15-59256341-G-T. GRCh37 (hg19) VCF-style: chr15-59548540-G-T.
Other names: short protein forms A92E.
Identifiers: ClinVar variation 848960 (VCV000848960.10), dbSNP rs1372950669, ClinGen allele CA392650018.

ClinVar aggregate classification (germline): Uncertain significance (1 of 4 stars; one submission).

gnomAD v4.1: 1 of 1,612,676 alleles (0.000062%); highest among the groups gnomAD compares: Non-Finnish European, 0.000085%; no homozygotes.

Submission:

Labcorp Genetics (formerly Invitae), Labcorp
Classification: Uncertain significance. Last evaluated: 2021-08-04. Review status: criteria provided, single submitter. Criteria: Invitae Variant Classification Sherloc (09022015). Collection method: clinical testing. Allele origin: germline.
Comment: This sequence change replaces alanine with glutamic acid at codon 92 of the MYO1E protein (p.Ala92Glu). The alanine residue is highly conserved and there is a moderate physicochemical difference between alanine and glutamic acid. This variant is not present in population databases (ExAC no frequency). This variant has been observed in individual(s) with clinical features of focal segmental glomerulosclerosis (Invitae). Algorithms developed to predict the effect of missense changes on protein structure and function (SIFT, PolyPhen-2, Align-GVGD) all suggest that this variant is likely to be disruptive, but these predictions have not been confirmed by published functional studies and their clinical significance is uncertain. In summary, the available evidence is currently insufficient to determine the role of this variant in disease. Therefore, it has been classified as a Variant of Uncertain Significance.